The following is an entry in ClinVar:

NM_001356.5(DDX3X):c.453_454del (p.Ser152fs)

Gene: DDX3X (DEAD-box helicase 3 X-linked; plus strand). Cytogenetic location: Xp11.4.
Variant type: Deletion.
Coding change: c.453_454del on transcript NM_001356.5 (MANE Select); coding-DNA positions 453 to 454, 2 bases deleted (TT; older notation c.453_454delTT).
Protein change: p.Ser152fs; shifts the reading frame from serine 152.
Molecular consequence: frameshift variant. On other transcripts: 5 prime UTR variant (1), non-coding transcript variant (1).
Genome position (GRCh38, 1-based): chrX:41,342,746-41,342,747, TT deleted; deleting any 2 consecutive bases within chrX:41,342,744-41,342,747 gives the same sequence; the c. name uses the placement nearest the transcript's 3' end. VCF-style (leftmost placement, unchanged base first): chrX-41342743-CTT-C. GRCh37 (hg19) VCF-style: chrX-41201996-CTT-C.
Other names: c.453_454del, p.Ser152fs (NM_001193416.3); c.405_406del, p.Ser136fs (NM_001193417.3); c.-106_-105del (NM_001363819.1); c.453_454del (NM_001193416.1); short protein forms S136fs, S152fs.
Identifiers: ClinVar variation 1196594 (VCV001196594.43), dbSNP rs2147350816, ClinGen allele CA2499226718.

ClinVar aggregate classification (germline): Pathogenic. Review status: criteria provided, multiple submitters, no conflicts (2 of 4 stars). 4 submissions from 4 submitters: Pathogenic (4). Last evaluated 2024-06-21.

Conditions:
Intellectual disability, X-linked 102 (MRXSSB). Also called: Intellectual developmental disorder, X-linked syndromic, Snijders Blok type. Identifiers: Orphanet 457260, MedGen C5393299, MONDO:0010497, OMIM 300958.

Submissions (4):

GeneDx
Classification: Pathogenic. Last evaluated: 2024-06-21. Review status: criteria provided, single submitter. Criteria: GeneDx Variant Classification Process June 2021. Collection method: clinical testing. Allele origin: germline. Affected: yes.
Comment: Frameshift variant predicted to result in protein truncation or nonsense mediated decay in a gene for which loss of function is a known mechanism of disease; Not observed at significant frequency in large population cohorts (gnomAD); This variant is associated with the following publications: (PMID: 30349862, 33057194)

Clinical Genetics Laboratory, Skane University Hospital Lund
Classification: Pathogenic. Last evaluated: 2022-05-27. Review status: criteria provided, single submitter. Criteria: ACMG Guidelines, 2015. Collection method: clinical testing. Allele origin: germline. Affected: yes.

Greenwood Genetic Center Diagnostic Laboratories, Greenwood Genetic Center
Classification: Pathogenic for Intellectual disability, X-linked 102. Last evaluated: 2021-11-17. Review status: criteria provided, single submitter. Criteria: ACMG Guidelines, 2015. Collection method: clinical testing. Allele origin: germline. Affected: yes.
Comment: PVS1, PS2, PS4_Supporting, PM2

CeGaT Center for Human Genetics Tuebingen
Classification: Pathogenic. Last evaluated: 2021-11-01. Review status: criteria provided, single submitter. Criteria: CeGaT Center For Human Genetics Tuebingen Variant Classification Criteria Version 2. Collection method: clinical testing. Allele origin: germline. Affected: yes. Observed: 2 variant alleles.